The following is an entry in ClinVar:

NM_000548.5(TSC2):c.1717-4del

Gene: TSC2 (TSC complex subunit 2; plus strand). Cytogenetic location: 16p13.3.
Variant type: Deletion.
Coding change: c.1717-4del on transcript NM_000548.5 (MANE Select); 4 bases into the intron before coding-DNA position 1717, one base deleted (G; older notation c.1717-4delG).
Molecular consequence: intron variant.
Genome position (GRCh38, 1-based): chr16:2,070,452, G deleted. VCF-style (leftmost placement, unchanged base first): chr16-2070451-TG-T. GRCh37 (hg19) VCF-style: chr16-2120452-TG-T.
Other names: c.1717-4delG (NM_000548.3); c.1717-4del (NM_001114382.3, NM_021055.3, NM_001370405.1 and 3 more transcripts); c.1606-4del (NM_001318827.2); c.1117-4del (NM_001318831.2); c.1570-4del (NM_001318829.2); c.1750-4del (NM_001318832.2).
Identifiers: ClinVar variation 858340 (VCV000858340.29), dbSNP rs1362347834, ClinGen allele CA718907309.

ClinVar aggregate classification (germline): Conflicting classifications of pathogenicity. Review status: criteria provided, conflicting classifications (1 of 4 stars). 4 submissions from 4 submitters: Uncertain significance (1); Likely benign (3). Last evaluated 2025-08-11.

Conditions:
Hereditary cancer-predisposing syndrome. Also called: Hereditary Cancer Syndrome; Neoplastic Syndromes, Hereditary; Tumor predisposition; Hereditary neoplastic syndrome. Identifiers: Orphanet 140162, MedGen C0027672, MeSH D009386, MONDO:0015356.
Tuberous sclerosis 2 (TSC2). Identifiers: Orphanet 805, MedGen C1860707, MONDO:0013199, OMIM 613254.
Tuberous sclerosis syndrome (TSC). Also called: Tuberous Sclerosis Complex; Tuberous sclerosis. Identifiers: Orphanet 805, MedGen C0041341, MONDO:0001734.

Allele frequency attached by ClinVar (database versions not stated): gnomAD exomes below 0.00001; TOPMed below 0.00001; gnomAD 0.00001.

Submissions (4):

Labcorp Genetics (formerly Invitae), Labcorp
Classification: Likely benign for Tuberous sclerosis 2. Last evaluated: 2025-08-11. Review status: criteria provided, single submitter. Criteria: Invitae Variant Classification Sherloc (09022015). Collection method: clinical testing. Allele origin: germline.

CeGaT Center for Human Genetics Tuebingen
Classification: Uncertain significance. Last evaluated: 2024-08-01. Review status: criteria provided, single submitter. Criteria: CeGaT Center For Human Genetics Tuebingen Variant Classification Criteria Version 2. Collection method: clinical testing. Allele origin: germline. Affected: yes. Observed: 1 variant allele.
Comment: TSC2: PM2, BP4

All of Us Research Program, National Institutes of Health
Classification: Likely benign for Tuberous sclerosis syndrome. Last evaluated: 2023-07-10. Review status: criteria provided, single submitter. Criteria: ACMG Guidelines, 2015. Collection method: clinical testing. Allele origin: germline. Inheritance: Autosomal dominant inheritance. Observed: 1 variant allele, 1 heterozygote.
Comment: This study involves interpretation of variants in research participants for the purpose of population health screening. Participant phenotype was not available at the time of variant classification. Additional details can be found in publication PMID: 35346344, PMCID: PMC8962531

Ambry Genetics
Classification: Likely benign for Hereditary cancer-predisposing syndrome. Last evaluated: 2022-08-30. Review status: criteria provided, single submitter. Criteria: Ambry Variant Classification Scheme 2023. Collection method: clinical testing. Allele origin: germline.